The following is an entry in ClinVar:

NM_001130144.3(LTBP3):c.1483del (p.Glu495fs)

Gene: LTBP3 (latent transforming growth factor beta binding protein 3; minus strand). Cytogenetic location: 11q13.1.
Variant type: Deletion.
Coding change: c.1483del on transcript NM_001130144.3 (MANE Select); coding-DNA position 1483, one base deleted (G; older notation c.1483delG).
Protein change: p.Glu495fs; shifts the reading frame from glutamic acid 495.
Molecular consequence: frameshift variant.
Genome position (GRCh38, 1-based): chr11:65,552,020, C deleted on the plus strand (G on the coding strand, the reverse complement: LTBP3 is on the minus strand); the first of 2 consecutive C bases (chr11:65,552,020-65,552,021); deleting either gives the same sequence. VCF-style (leftmost placement, unchanged base first): chr11-65552019-TC-T. GRCh37 (hg19) VCF-style: chr11-65319490-TC-T.
Other names: c.1132del, p.Glu378fs (NM_001164266.1); c.1483del, p.Glu495fs (NM_021070.4); short protein forms E378fs, E495fs.
Identifiers: ClinVar variation 2009579 (VCV002009579.4), dbSNP rs2496168975, ClinGen allele CA2580084494.

ClinVar aggregate classification (germline): Pathogenic (1 of 4 stars; one submission).

Conditions:
Brachyolmia-amelogenesis imperfecta syndrome. Also called: PLATYSPONDYLY WITH AMELOGENESIS IMPERFECTA; Tooth agenesis, selective, 6; Dental anomalies and short stature. Identifiers: Orphanet 2899, MedGen C1832594, MONDO:0011018, OMIM 601216. Disease mechanism: loss of function.

Submission:

Labcorp Genetics (formerly Invitae), Labcorp
Classification: Pathogenic for Brachyolmia-amelogenesis imperfecta syndrome. Last evaluated: 2022-06-23. Review status: criteria provided, single submitter. Criteria: Invitae Variant Classification Sherloc (09022015). Collection method: clinical testing. Allele origin: germline.
Comment: For these reasons, this variant has been classified as Pathogenic. This variant has not been reported in the literature in individuals affected with LTBP3-related conditions. This variant is not present in population databases (gnomAD no frequency). This sequence change creates a premature translational stop signal (p.Glu495Argfs*18) in the LTBP3 gene. It is expected to result in an absent or disrupted protein product. Loss-of-function variants in LTBP3 are known to be pathogenic (PMID: 11790802, 19344874, 25669657).

Literature cited by the submitters: PubMed 11790802; PubMed 19344874; PubMed 25669657.